The following is an entry in ClinVar:

NM_201378.4(PLEC):c.71-3784G>A

Genes: PLEC (plectin; minus strand), LOC130001342 (ATAC-STARR-seq lymphoblastoid silent region 19633; plus strand). Cytogenetic location: 8q24.3.
Variant type: single nucleotide variant.
Coding change: c.71-3784G>A on transcript NM_201378.4 (MANE Plus Clinical); 3784 bases into the intron before coding-DNA position 71, G replaced by A.
Molecular consequence: intron variant. On other transcripts: missense variant (1).
Genome position (GRCh38, 1-based): chr8:143,942,476, C>T on the plus strand (G>A on the coding strand, the complement: PLEC is on the minus strand). VCF-style: chr8-143942476-C-T. GRCh37 (hg19) VCF-style: chr8-145016644-C-T.
Other names: c.40G>A, p.Val14Ile (NM_201383.3); c.194-3784G>A (NM_001410941.1, NM_000445.5); c.47-3784G>A (NM_201379.3); c.524-3784G>A (NM_201380.4); c.16+2172G>A (NM_201381.3); c.112+1303G>A (NM_201382.4); short protein forms V14I.
Identifiers: ClinVar variation 3353756 (VCV003353756.2).

ClinVar aggregate classification (germline): Likely benign. Review status: criteria provided, single submitter (1 of 4 stars). 2 submissions from 2 submitters: Likely benign (1). 1 of the submissions does not count toward it. Last evaluated 2024-05-09.

Conditions:
PLEC-related disorder. Also called: PLEC-related condition; PLEC-related disorders.

gnomAD v4.1: 151 of 1,597,068 alleles (0.0095%); highest among the groups gnomAD compares: African/African-American, 0.11%; no homozygotes.

Submissions (2):

Blueprint Genetics
Classification: Likely benign. Last evaluated: 2024-05-09. Review status: criteria provided, single submitter. Criteria: ACMG Guidelines, 2015. Collection method: clinical testing. Allele origin: germline.

PreventionGenetics, part of Exact Sciences
Classification: Likely benign for PLEC-related condition. Last evaluated: 2024-03-18. Review status: no assertion criteria provided. Collection method: clinical testing. Allele origin: germline. Not counted in ClinVar's aggregate classification.
Comment: This variant is classified as likely benign based on ACMG/AMP sequence variant interpretation guidelines (Richards et al. 2015 PMID: 25741868, with internal and published modifications).